The following is an entry in ClinVar:

NM_170606.3(KMT2C):c.10789A>G (p.Ile3597Val)

Gene: KMT2C (lysine methyltransferase 2C; minus strand). Cytogenetic location: 7q36.1.
Variant type: single nucleotide variant.
Coding change: c.10789A>G on transcript NM_170606.3 (MANE Select); coding-DNA position 10789, A replaced by G.
Protein change: p.Ile3597Val; replaces isoleucine 3597 with valine.
Molecular consequence: missense variant.
Genome position (GRCh38, 1-based): chr7:152,162,788, T>C on the plus strand (A>G on the coding strand, the complement: KMT2C is on the minus strand). VCF-style: chr7-152162788-T-C. GRCh37 (hg19) VCF-style: chr7-151859873-T-C.
Other names: short protein forms I3597V.
Identifiers: ClinVar variation 1027840 (VCV001027840.1), dbSNP rs2092524691, ClinGen allele CA370102430.

ClinVar aggregate classification (germline): Uncertain significance (1 of 4 stars; one submission).

Conditions:
Kleefstra syndrome 2 (KLEFS2). Identifiers: MedGen C4540395, MONDO:0054701, OMIM 617768.

Allele frequency attached by ClinVar (database versions not stated): gnomAD exomes below 0.00001.
gnomAD v4.1: 1 of 1,614,194 alleles (0.000062%); highest among the groups gnomAD compares: Non-Finnish European, 0.000085%; no homozygotes.

Submission:

Baylor Genetics
Classification: Uncertain significance for Kleefstra syndrome 2. Last evaluated: 2020-08-27. Review status: criteria provided, single submitter. Criteria: ACMG Guidelines, 2015. Collection method: clinical testing. Allele origin: unknown. Affected: yes.
Comment: This variant was determined to be of uncertain significance according to ACMG Guidelines, 2015 [PMID:25741868].